The following is an entry in ClinVar:

NM_152328.5(ADSS1):c.1105G>A (p.Val369Ile)

Gene: ADSS1 (adenylosuccinate synthase 1; plus strand). Cytogenetic location: 14q32.33.
Variant type: single nucleotide variant.
Coding change: c.1105G>A on transcript NM_152328.5 (MANE Select); coding-DNA position 1105, G replaced by A.
Protein change: p.Val369Ile; replaces valine 369 with isoleucine.
Molecular consequence: missense variant.
Genome position (GRCh38, 1-based): chr14:104,744,843, G>A. VCF-style: chr14-104744843-G-A. GRCh37 (hg19) VCF-style: chr14-105211180-G-A.
Other names: c.1234G>A (NM_199165.1); c.490G>A, p.Val164Ile (NM_001320424.1); c.1234G>A, p.Val412Ile (NM_199165.2); short protein forms V369I, V164I, V412I.
Identifiers: ClinVar variation 623860 (VCV000623860.46), dbSNP rs759021404, ClinGen allele CA7374034.
Genomic context (GRCh38, chr14:104,744,843, plus strand): 5'-GGTTTGCCCGGCCCCTTGGCTTTCCACAGGCTGGCCCTGACGAAGCTGGACATCCTGGAC[G>A]TACTGGGTGAGGTTAAAGTCGGTGTCTCATACAAGCTGAACGGGAAAAGGATTCCCTATT-3'
Protein context (NP_689541.1, residues 359-379): LALTKLDILD[Val369Ile]LGEVKVGVSY

ClinVar aggregate classification (germline): Uncertain significance. Review status: criteria provided, multiple submitters, no conflicts (2 of 4 stars). 3 submissions from 3 submitters: Uncertain significance (3). Last evaluated 2025-08-26.

Conditions:
Inborn genetic diseases. Identifiers: MedGen C0950123, MeSH D030342.

Allele frequency attached by ClinVar (database versions not stated): gnomAD 0.00003; TOPMed 0.00008.
gnomAD v4.1: 39 of 1,614,088 alleles (0.0024%); highest among the groups gnomAD compares: Non-Finnish European, 0.0029%; no homozygotes.

Submissions (3):

Ambry Genetics
Classification: Uncertain significance for Inborn genetic diseases. Last evaluated: 2025-08-26. Review status: criteria provided, single submitter. Criteria: Ambry Variant Classification Scheme 2023. Collection method: clinical testing. Allele origin: germline.

Labcorp Genetics (formerly Invitae), Labcorp
Classification: Uncertain significance. Last evaluated: 2021-10-28. Review status: criteria provided, single submitter. Criteria: Invitae Variant Classification Sherloc (09022015). Collection method: clinical testing. Allele origin: germline.
Comment: This sequence change replaces valine, which is neutral and non-polar, with isoleucine, which is neutral and non-polar, at codon 412 of the ADSSL1 protein (p.Val412Ile). This variant is present in population databases (rs759021404, gnomAD 0.01%). This variant has not been reported in the literature in individuals affected with ADSSL1-related conditions. ClinVar contains an entry for this variant (Variation ID: 623860). Algorithms developed to predict the effect of missense changes on protein structure and function are either unavailable or do not agree on the potential impact of this missense change (SIFT: "Not Available"; PolyPhen-2: "Benign"; Align-GVGD: "Not Available"). In summary, the available evidence is currently insufficient to determine the role of this variant in disease. Therefore, it has been classified as a Variant of Uncertain Significance.

CeGaT Center for Human Genetics Tuebingen
Classification: Uncertain significance. Last evaluated: 2018-05-01. Review status: criteria provided, single submitter. Criteria: CeGaT Center For Human Genetics Tuebingen Variant Classification Criteria Version 2. Collection method: clinical testing. Allele origin: germline. Affected: yes. Observed: 1 variant allele.